The following is an entry in ClinVar:

NM_000843.4(GRM6):c.722-2del

Gene: GRM6 (glutamate metabotropic receptor 6; minus strand). Cytogenetic location: 5q35.3.
Variant type: Deletion.
Coding change: c.722-2del on transcript NM_000843.4 (MANE Select); the canonical splice acceptor site of the intron before coding-DNA position 722, one base deleted (A; older notation c.722-2delA).
Molecular consequence: splice acceptor variant.
Genome position (GRCh38, 1-based): chr5:178,991,561, T deleted on the plus strand (A on the coding strand, the reverse complement: GRM6 is on the minus strand). VCF-style (leftmost placement, unchanged base first): chr5-178991560-CT-C. GRCh37 (hg19) VCF-style: chr5-178418561-CT-C.
Identifiers: ClinVar variation 950813 (VCV000950813.7), dbSNP rs758498215, ClinGen allele CA3594369.

ClinVar aggregate classification (germline): Likely pathogenic (1 of 4 stars; one submission).

Allele frequency attached by ClinVar (database versions not stated): gnomAD exomes below 0.00001 and 0.00001; ExAC 0.00001; gnomAD 0.00001; TOPMed 0.00001.

Submission:

Labcorp Genetics (formerly Invitae), Labcorp
Classification: Likely pathogenic. Last evaluated: 2022-08-07. Review status: criteria provided, single submitter. Criteria: Invitae Variant Classification Sherloc (09022015). Collection method: clinical testing. Allele origin: germline.
Comment: This sequence change affects a splice site in intron 2 of the GRM6 gene. It is expected to disrupt RNA splicing. Variants that disrupt the donor or acceptor splice site typically lead to a loss of protein function (PMID: 16199547), and loss-of-function variants in GRM6 are known to be pathogenic (PMID: 15781871, 16622103, 22008250). This variant is present in population databases (rs758498215, gnomAD 0.003%). Disruption of this splice site has been observed in individual(s) with congenital stationary night blindness (PMID: 22959359). ClinVar contains an entry for this variant (Variation ID: 950813). Algorithms developed to predict the effect of sequence changes on RNA splicing suggest that this variant may disrupt the consensus splice site. In summary, the currently available evidence indicates that the variant is pathogenic, but additional data are needed to prove that conclusively. Therefore, this variant has been classified as Likely Pathogenic.

Literature cited by the submitters: PubMed 16199547; PubMed 15781871; PubMed 16622103; PubMed 22008250; PubMed 22959359.